The following is an entry in ClinVar:

NM_017534.6(MYH2):c.3661C>G (p.Gln1221Glu)

Genes: MYHAS (myosin heavy chain gene cluster antisense RNA; plus strand), MYH2 (myosin heavy chain 2; minus strand). Cytogenetic location: 17p13.1.
Variant type: single nucleotide variant.
Coding change: c.3661C>G on transcript NM_017534.6 (MANE Select); coding-DNA position 3661, C replaced by G.
Protein change: p.Gln1221Glu; replaces glutamine 1221 with glutamic acid.
Molecular consequence: missense variant.
Genome position (GRCh38, 1-based): chr17:10,528,773, G>C on the plus strand (C>G on the coding strand, the complement: MYH2 is on the minus strand). VCF-style: chr17-10528773-G-C. GRCh37 (hg19) VCF-style: chr17-10432090-G-C.
Other names: c.3661C>G, p.Gln1221Glu (NM_001100112.2); short protein forms Q1221E.
Identifiers: ClinVar variation 4752704 (VCV004752704.1).

ClinVar aggregate classification (germline): Uncertain significance (1 of 4 stars; one submission).

Conditions:
Myopathy, proximal, and ophthalmoplegia (CMYO6). Also called: MYOPATHY WITH CONGENITAL JOINT CONTRACTURES, OPHTHALMOPLEGIA, AND RIMMED VACUOLES; CONGENITAL MYOPATHY 6 WITH OPHTHALMOPLEGIA; INCLUSION BODY MYOPATHY 3, AUTOSOMAL DOMINANT. Identifiers: Orphanet 363677, Orphanet 79091, MedGen C1854106, MONDO:0011577, OMIM 605637.

gnomAD v4.1: 26 of 1,613,986 alleles (0.0016%); highest among the groups gnomAD compares: African/African-American, 0.0027%; no homozygotes.

Submission:

Labcorp Genetics (formerly Invitae), Labcorp
Classification: Uncertain significance for Myopathy, proximal, and ophthalmoplegia. Last evaluated: 2025-01-30. Review status: criteria provided, single submitter. Criteria: Invitae Variant Classification Sherloc (09022015). Collection method: clinical testing. Allele origin: germline.
Comment: This sequence change replaces glutamine, which is neutral and polar, with glutamic acid, which is acidic and polar, at codon 1221 of the MYH2 protein (p.Gln1221Glu). This variant is present in population databases (rs775688221, gnomAD 0.02%). This variant has not been reported in the literature in individuals affected with MYH2-related conditions. Invitae Evidence Modeling of protein sequence and biophysical properties (such as structural, functional, and spatial information, amino acid conservation, physicochemical variation, residue mobility, and thermodynamic stability) indicates that this missense variant is not expected to disrupt MYH2 protein function with a negative predictive value of 80%. In summary, the available evidence is currently insufficient to determine the role of this variant in disease. Therefore, it has been classified as a Variant of Uncertain Significance.